The following is an entry in ClinVar:

NM_000138.5(FBN1):c.7867C>G (p.His2623Asp)

Gene: FBN1 (fibrillin 1; minus strand). Cytogenetic location: 15q21.1.
Variant type: single nucleotide variant.
Coding change: c.7867C>G on transcript NM_000138.5 (MANE Select); coding-DNA position 7867, C replaced by G.
Protein change: p.His2623Asp; replaces histidine 2623 with aspartic acid.
Molecular consequence: missense variant.
Genome position (GRCh38, 1-based): chr15:48,415,720, G>C on the plus strand (C>G on the coding strand, the complement: FBN1 is on the minus strand). VCF-style: chr15-48415720-G-C. GRCh37 (hg19) VCF-style: chr15-48707917-G-C.
Other names: c.7867C>G, p.His2623Asp (NM_001406716.1); short protein forms H2623D.
Identifiers: ClinVar variation 3026664 (VCV003026664.25), dbSNP rs2505384072, ClinGen allele CA392323367.

ClinVar aggregate classification (germline): Conflicting classifications of pathogenicity. Review status: criteria provided, conflicting classifications (1 of 4 stars). 3 submissions from 3 submitters: Likely pathogenic (1); Uncertain significance (2). Last evaluated 2023-12-20.

Conditions:
Stiff skin syndrome (SSKS). Identifiers: Orphanet 2833, MedGen C1861456, MONDO:0008492, OMIM 184900.
Geleophysic dysplasia 2 (GPHYSD2). Identifiers: Orphanet 2623, MedGen C3280054, MONDO:0013612, OMIM 614185.
Marfan syndrome (MFS). Also called: MARFAN SYNDROME, TYPE I; Marfan syndrome type 1; Marfan's syndrome; Marfan syndrome, classic; FBN1-Related Marfan Syndrome. Identifiers: Orphanet 284963, Orphanet 558, MedGen C0024796, MONDO:0007947, OMIM 154700.
Ectopia lentis 1, isolated, autosomal dominant (ECTOL1). Identifiers: Orphanet 1885, MedGen C3541518, MONDO:0007514, OMIM 129600.
Progeroid and marfanoid aspect-lipodystrophy syndrome. Also called: MARFANOID-PROGEROID-LIPODYSTROPHY SYNDROME; MARFANOID-PROGEROID SYNDROME; MARFAN-PROGEROID-LIPODYSTROPHY SYNDROME; Marfan lipodystrophy syndrome. Identifiers: Orphanet 300382, MedGen C4310796, MONDO:0014831, OMIM 616914.
MASS syndrome (OCTD). Also called: MASS PHENOTYPE; OVERLAP CONNECTIVE TISSUE DISEASE. Identifiers: MedGen C1858556, MONDO:0011431, OMIM 604308.
Acromicric dysplasia (ACMICD). Also called: Acromicric skeletal dysplasia. Identifiers: Orphanet 969, MedGen C0265287, MONDO:0007055, OMIM 102370.
Weill-Marchesani syndrome 2, dominant. Also called: Weill-Marchesani Syndrome, Autosomal Dominant; FBN1-Related Weill-Marchesani Syndrome. Identifiers: Orphanet 2084, MedGen C1869115, MONDO:0012013, OMIM 608328.

Submissions (3):

GeneDx
Classification: Uncertain significance. Last evaluated: 2023-12-20. Review status: criteria provided, single submitter. Criteria: GeneDx Variant Classification Process June 2021. Collection method: clinical testing. Allele origin: germline. Affected: yes.
Comment: Has not been previously published as pathogenic or benign to our knowledge; Not observed at significant frequency in large population cohorts (gnomAD); In silico analysis supports that this missense variant has a deleterious effect on protein structure/function; Although located in a calcium-binding EGF-like domain of the FBN1 gene, it does not affect a cysteine residue within this domain; cysteine substitutions in the calcium-binding EGF-like domains represent the majority of pathogenic missense changes associated with FBN1-related disorders (PMID: 12938084); This variant is associated with the following publications: (PMID: 12938084)

CeGaT Center for Human Genetics Tuebingen
Classification: Likely pathogenic. Last evaluated: 2023-12-01. Review status: criteria provided, single submitter. Criteria: CeGaT Center For Human Genetics Tuebingen Variant Classification Criteria Version 2. Collection method: clinical testing. Allele origin: germline. Affected: yes. Observed: 1 variant allele.
Comment: FBN1: PM1, PM2, PM5:Supporting, PP3

Juno Genomics, Hangzhou Juno Genomics, Inc
Classification: Uncertain significance for Acromicric dysplasia; Ectopia lentis 1, isolated, autosomal dominant; Geleophysic dysplasia 2; Progeroid and marfanoid aspect-lipodystrophy syndrome; Marfan syndrome; MASS syndrome; Stiff skin syndrome; Weill-Marchesani syndrome 2, dominant. Review status: criteria provided, single submitter. Criteria: ACMG Guidelines, 2015. Collection method: clinical testing. Allele origin: germline. Affected: yes.
Comment: Absent from controls (or at extremely low frequency if recessive) in Genome Aggregation Database, Exome Sequencing Project, 1000 Genomes Project, or Exome Aggregation Consortium.;Missense variant in a gene that has a low rate of benign missense variation and where missense variants are a common mechanism of disease.;Patient's phenotype or family history is highly specific for a disease with a single genetic etiology.